The following is an entry in ClinVar:

ClinVar aggregate classification (germline): Uncertain significance (1 of 4 stars; one submission).

Conditions:
Hereditary cancer-predisposing syndrome. Also called: Tumor predisposition; Hereditary neoplastic syndrome; Hereditary Cancer Syndrome; Neoplastic Syndromes, Hereditary. Identifiers: Orphanet 140162, MedGen C0027672, MeSH D009386, MONDO:0015356.

Submission:

Ambry Genetics
Classification: Uncertain significance for Hereditary cancer-predisposing syndrome. Last evaluated: 2024-02-05. Review status: criteria provided, single submitter. Criteria: Ambry Variant Classification Scheme 2023. Collection method: clinical testing. Allele origin: germline.
Comment: The p.G859C variant (also known as c.2575G>T), located in coding exon 20 of the POLD1 gene, results from a G to T substitution at nucleotide position 2575. The glycine at codon 859 is replaced by cysteine, an amino acid with highly dissimilar properties. This amino acid position is conserved. In addition, the in silico prediction for this alteration is inconclusive. Based on the available evidence, the clinical significance of this alteration remains unclear.

NM_002691.4(POLD1):c.2575G>T (p.Gly859Cys)

Gene: POLD1 (DNA polymerase delta 1, catalytic subunit; plus strand). Cytogenetic location: 19q13.33.
Variant type: single nucleotide variant.
Coding change: c.2575G>T on transcript NM_002691.4 (MANE Select); coding-DNA position 2575, G replaced by T.
Protein change: p.Gly859Cys; replaces glycine 859 with cysteine.
Molecular consequence: missense variant. On other transcripts: non-coding transcript variant (1).
Genome position (GRCh38, 1-based): chr19:50,415,448, G>T. VCF-style: chr19-50415448-G-T. GRCh37 (hg19) VCF-style: chr19-50918705-G-T.
Other names: c.2575G>T, p.Gly859Cys (NM_001256849.1); c.2653G>T, p.Gly885Cys (NM_001308632.1); short protein forms G859C, G885C.
Identifiers: ClinVar variation 3222724 (VCV003222724.1), dbSNP rs2514053227, ClinGen allele CA406985300.